The following is an entry in ClinVar:

ClinVar aggregate classification (germline): Uncertain significance (1 of 4 stars; one submission).

Conditions:
Hereditary cancer-predisposing syndrome. Also called: Neoplastic Syndromes, Hereditary; Tumor predisposition; Hereditary Cancer Syndrome; Hereditary neoplastic syndrome. Identifiers: Orphanet 140162, MedGen C0027672, MeSH D009386, MONDO:0015356.

Submission:

Color Diagnostics, LLC DBA Color Health
Classification: Uncertain significance for Hereditary cancer-predisposing syndrome. Last evaluated: 2024-05-03. Review status: criteria provided, single submitter. Criteria: ACMG Guidelines, 2015. Collection method: clinical testing. Allele origin: germline.
Comment: This missense variant replaces valine with glutamic acid at codon 143 of the STK11 protein. Computational prediction suggests that this variant may not impact protein structure and function. To our knowledge, functional studies have not been reported for this variant. This variant has not been reported in individuals affected with STK11-related disorders in the literature. This variant has not been identified in the general population by the Genome Aggregation Database (gnomAD). The available evidence is insufficient to determine the role of this variant in disease conclusively. Therefore, this variant is classified as a Variant of Uncertain Significance.

NM_000455.5(STK11):c.428T>A (p.Val143Glu)

Gene: STK11 (serine/threonine kinase 11; plus strand). Cytogenetic location: 19p13.3.
Variant type: single nucleotide variant.
Coding change: c.428T>A on transcript NM_000455.5 (MANE Select); coding-DNA position 428, T replaced by A.
Protein change: p.Val143Glu; replaces valine 143 with glutamic acid.
Molecular consequence: missense variant. On other transcripts: non-coding transcript variant (1).
Genome position (GRCh38, 1-based): chr19:1,219,377, T>A. VCF-style: chr19-1219377-T-A. GRCh37 (hg19) VCF-style: chr19-1219376-T-A.
Other names: c.428T>A, p.Val143Glu (NM_001407255.1); short protein forms V143E.
Identifiers: ClinVar variation 3893767 (VCV003893767.1).
Genomic context (GRCh38, chr19:1,219,377, plus strand): 5'-GCCCCACGTATATGGTGATGGAGTACTGCGTGTGTGGCATGCAGGAAATGCTGGACAGCG[T>A]GCCGGAGAAGCGTTTCCCAGTGTGCCAGGCCCACGGGTGCGTGCGCGGGGCAGGGGCCAG-3'
Protein context (NP_000446.1, residues 133-153): VCGMQEMLDS[Val143Glu]PEKRFPVCQA